The following is an entry in ClinVar:

NM_005379.4(MYO1A):c.1185T>C (p.Phe395=)

Gene: MYO1A (myosin IA; minus strand). Cytogenetic location: 12q13.3.
Variant type: single nucleotide variant.
Coding change: c.1185T>C on transcript NM_005379.4 (MANE Select); coding-DNA position 1185, T replaced by C.
Protein change: p.Phe395=; no amino-acid change (phenylalanine 395 retained).
Molecular consequence: synonymous variant.
Genome position (GRCh38, 1-based): chr12:57,041,268, A>G on the plus strand (T>C on the coding strand, the complement: MYO1A is on the minus strand). VCF-style: chr12-57041268-A-G. GRCh37 (hg19) VCF-style: chr12-57435052-A-G.
Other names: c.1185T>C, p.Phe395= (NM_001256041.2).
Identifiers: ClinVar variation 45306 (VCV000045306.7), dbSNP rs17546153, ClinGen allele CA135998.

ClinVar aggregate classification (germline): Benign. Review status: criteria provided, multiple submitters, no conflicts (2 of 4 stars). 4 submissions from 4 submitters: Benign (4). Last evaluated 2017-11-03.

Allele frequency attached by ClinVar (database versions not stated): 1000 Genomes Project 30x 0.01671; 1000 Genomes Project 0.01697; TOPMed 0.02808; gnomAD 0.02956 and 0.02982; ESP Exome Variant Server 0.03368; gnomAD exomes 0.03560 and 0.03704; ExAC 0.03591.
gnomAD v4.1: 58,879 of 1,613,914 alleles (3.6%); highest among the groups gnomAD compares: Middle Eastern, 7.9%; 1,315 homozygotes.

Submissions (4):

GeneDx
Classification: Benign. Last evaluated: 2017-11-03. Review status: criteria provided, single submitter. Criteria: GeneDx Variant Classification (06012015). Collection method: clinical testing. Allele origin: germline. Affected: yes.
Comment: This variant is considered likely benign or benign based on one or more of the following criteria: it is a conservative change, it occurs at a poorly conserved position in the protein, it is predicted to be benign by multiple in silico algorithms, and/or has population frequency not consistent with disease.

Laboratory for Molecular Medicine, Mass General Brigham Personalized Medicine
Classification: Benign. Last evaluated: 2012-05-07. Review status: criteria provided, single submitter. Criteria: LMM Criteria. Collection method: clinical testing. Allele origin: germline. Observed: 47 variant alleles.
Comment: "Phe395Phe in Exon 14 of MYO1A: This variant is not expected to have clinical si gnificance because it does not alter an amino acid residue, is not located withi n the splice consensus sequence, and has been identified in 4.6% (325/7020) of E uropean American chromosomes from a broad population by the NHLBI Exome Sequenci ng Project (dbSNP rs17546153)."

Breakthrough Genomics
Classification: Benign. Review status: criteria provided, single submitter. Criteria: ACMG Guidelines, 2015. Collection method: not provided. Allele origin: germline. Inheritance: Unknown mechanism. Affected: yes.

PreventionGenetics, part of Exact Sciences
Classification: Benign. Review status: criteria provided, single submitter. Criteria: ACMG Guidelines, 2015. Collection method: clinical testing. Allele origin: germline.